The following is an entry in ClinVar:

ClinVar aggregate classification (germline): Uncertain significance (1 of 4 stars; one submission).

Conditions:
Hereditary cancer-predisposing syndrome. Also called: Neoplastic Syndromes, Hereditary; Tumor predisposition; Hereditary Cancer Syndrome; Hereditary neoplastic syndrome. Identifiers: Orphanet 140162, MedGen C0027672, MeSH D009386, MONDO:0015356.

Submission:

Ambry Genetics
Classification: Uncertain significance for Hereditary cancer-predisposing syndrome. Last evaluated: 2022-04-19. Review status: criteria provided, single submitter. Criteria: Ambry Variant Classification Scheme 2023. Collection method: clinical testing. Allele origin: germline.
Comment: The p.L239H variant (also known as c.716T>A), located in coding exon 7 of the PMS2 gene, results from a T to A substitution at nucleotide position 716. The leucine at codon 239 is replaced by histidine, an amino acid with similar properties. This amino acid position is conserved. In addition, this alteration is predicted to be deleterious by in silico analysis. Since supporting evidence is limited at this time, the clinical significance of this alteration remains unclear.

NM_000535.7(PMS2):c.716T>A (p.Leu239His)

Gene: PMS2 (PMS1 homolog 2, mismatch repair system component; minus strand). Cytogenetic location: 7p22.1.
Variant type: single nucleotide variant.
Coding change: c.716T>A on transcript NM_000535.7 (MANE Select); coding-DNA position 716, T replaced by A.
Protein change: p.Leu239His; replaces leucine 239 with histidine.
Molecular consequence: missense variant. On other transcripts: 5 prime UTR variant (2), non-coding transcript variant (1).
Genome position (GRCh38, 1-based): chr7:5,997,413, A>T on the plus strand (T>A on the coding strand, the complement: PMS2 is on the minus strand). VCF-style: chr7-5997413-A-T. GRCh37 (hg19) VCF-style: chr7-6037044-A-T.
Other names: c.311T>A, p.Leu104His (NM_001018040.1, NM_001322003.2, NM_001322004.2 and 20 more transcripts); c.716T>A, p.Leu239His (NM_001322006.2, NM_001322014.2, NM_001406870.1 and 3 more transcripts); c.398T>A, p.Leu133His (NM_001322007.2, NM_001322008.2, NM_001406876.1 and 4 more transcripts); c.-218T>A (NM_001322011.2, NM_001322012.2); c.143T>A, p.Leu48His (NM_001322013.2, NM_001406909.1); c.407T>A, p.Leu136His (NM_001322015.2, NM_001406875.1, NM_001406877.1 and 6 more transcripts); c.902T>A, p.Leu301His (NM_001406866.1); c.740T>A, p.Leu247His (NM_001406868.1); and 4 more; short protein forms L127H, L136H, L239H, L301H, L133H, L203H, L247H, L68H.
Identifiers: ClinVar variation 1757476 (VCV001757476.3), dbSNP rs1060503136, ClinGen allele CA366743776.